The following is an entry in ClinVar:

ClinVar aggregate classification (germline): Uncertain significance (1 of 4 stars; one submission).

Conditions:
Autosomal recessive limb-girdle muscular dystrophy type 2O. Also called: Limb-Girdle Muscular Dystrophy Type 3C; MUSCULAR DYSTROPHY-DYSTROGLYCANOPATHY (LIMB-GIRDLE), TYPE C, 3; MUSCULAR DYSTROPHY-DYSTROGLYCANOPATHY, LIMB-GIRDLE, POMGNT1-RELATED. Identifiers: Orphanet 206564, MedGen C3150417, MONDO:0013161, OMIM 613157.
Muscular dystrophy-dystroglycanopathy (congenital with impaired intellectual development), type B, 3. Also called: MUSCULAR DYSTROPHY, CONGENITAL, POMGNT1-RELATED; Muscular dystrophy-dystroglycanopathy (congenital with intellectual disability), type B3. Identifiers: MedGen C3150412, MONDO:0013155, OMIM 613151.

Submission:

Labcorp Genetics (formerly Invitae), Labcorp
Classification: Uncertain significance for Autosomal recessive limb-girdle muscular dystrophy type 2O; Muscular dystrophy-dystroglycanopathy (congenital with impaired intellectual development), type B, 3. Last evaluated: 2020-04-30. Review status: criteria provided, single submitter. Criteria: Invitae Variant Classification Sherloc (09022015). Collection method: clinical testing. Allele origin: germline.
Comment: This variant has not been reported in the literature in individuals with POMGNT1-related conditions. This variant is not present in population databases (ExAC no frequency). This sequence change replaces alanine with valine at codon 200 of the POMGNT1 protein (p.Ala200Val). The alanine residue is moderately conserved and there is a small physicochemical difference between alanine and valine. In summary, the available evidence is currently insufficient to determine the role of this variant in disease. Therefore, it has been classified as a Variant of Uncertain Significance. Algorithms developed to predict the effect of sequence changes on RNA splicing suggest that this variant may create or strengthen a splice site, but this prediction has not been confirmed by published transcriptional studies. Algorithms developed to predict the effect of missense changes on protein structure and function (SIFT, PolyPhen-2, Align-GVGD) all suggest that this variant is likely to be tolerated, but these predictions have not been confirmed by published functional studies and their clinical significance is uncertain.

NM_017739.4(POMGNT1):c.599C>T (p.Ala200Val)

Genes: POMGNT1 (protein O-linked mannose N-acetylglucosaminyltransferase 1 (beta 1,2-); minus strand), TSPAN1 (tetraspanin 1; plus strand). Cytogenetic location: 1p34.1.
Variant type: single nucleotide variant.
Coding change: c.599C>T on transcript NM_017739.4 (MANE Select); coding-DNA position 599, C replaced by T.
Protein change: p.Ala200Val; replaces alanine 200 with valine.
Molecular consequence: missense variant.
Genome position (GRCh38, 1-based): chr1:46,194,897, G>A on the plus strand (C>T on the coding strand, the complement: POMGNT1 is on the minus strand). VCF-style: chr1-46194897-G-A. GRCh37 (hg19) VCF-style: chr1-46660569-G-A.
Other names: c.599C>T, p.Ala200Val (NM_001243766.2, NM_001410783.1); c.533C>T, p.Ala178Val (NM_001290129.3); c.170C>T, p.Ala57Val (NM_001290130.2); short protein forms A178V, A57V, A200V.
Identifiers: ClinVar variation 1036947 (VCV001036947.9), dbSNP rs1658103117, ClinGen allele CA340186832.